The following is an entry in ClinVar:

NM_000071.3(CBS):c.503_504del (p.Val168fs)

Gene: CBS (cystathionine beta-synthase; minus strand). Cytogenetic location: 21q22.3.
Variant type: Deletion.
Coding change: c.503_504del on transcript NM_000071.3 (MANE Select); coding-DNA positions 503 to 504, 2 bases deleted (TG; older notation c.503_504delTG).
Protein change: p.Val168fs; shifts the reading frame from valine 168.
Molecular consequence: frameshift variant.
Genome position (GRCh38, 1-based): chr21:43,065,643-43,065,644, CA deleted on the plus strand (TG on the coding strand, the reverse complement: CBS is on the minus strand); deleting any 2 consecutive bases within chr21:43,065,643-43,065,645 gives the same sequence; the c. name uses the placement nearest the transcript's 3' end. VCF-style (leftmost placement, unchanged base first): chr21-43065642-TCA-T. GRCh37 (hg19) VCF-style: chr21-44485752-TCA-T.
Other names: c.503_504del, p.Val168fs (NM_001178008.3, NM_001178009.3, NM_001320298.2); c.188_189del, p.Val63fs (NM_001321072.1); short protein forms V168fs, V63fs.
Identifiers: ClinVar variation 1726635 (VCV001726635.2), dbSNP rs2517447331, ClinGen allele CA2580099036.

ClinVar aggregate classification (germline): Likely pathogenic (1 of 4 stars; one submission).

Conditions:
Classic homocystinuria. Also called: Homocystinuria due to CBS deficiency; Cystathionine beta-synthase deficiency; CBS deficiency; Homocystinuria due to Cystathionine Beta-Synthase Deficiency; HOMOCYSTINURIA WITH OR WITHOUT RESPONSE TO PYRIDOXINE. Identifiers: Orphanet 394, MedGen C0751202, MONDO:0009352, OMIM 236200.

Submission:

Myriad Genetics, Inc.
Classification: Likely pathogenic for Classic homocystinuria. Last evaluated: 2021-12-29. Review status: criteria provided, single submitter. Criteria: Myriad Women's Health Autosomal Recessive and X-Linked Classification Criteria (2021). Collection method: clinical testing. Allele origin: unknown.
Comment: NM_000071.2(CBS):c.503_504delTG(V168Dfs*19) is expected to be pathogenic in the context of homocystinuria, CBS-related. This variant is predicted to lead to an abnormal or absent protein product due to the creation of a premature termination codon in CBS, a gene where loss-of-function variants are known to be pathogenic. Please note: this variant was assessed in the context of healthy population screening.